The following is an entry in ClinVar:

NM_002769.5(PRSS1):c.459C>A (p.Asp153Glu)

Genes: TRB (T cell receptor beta locus; plus strand), PRSS1 (serine protease 1; plus strand). Cytogenetic location: 7q34.
Variant type: single nucleotide variant.
Coding change: c.459C>A on transcript NM_002769.5 (MANE Select); coding-DNA position 459, C replaced by A.
Protein change: p.Asp153Glu; replaces aspartic acid 153 with glutamic acid.
Molecular consequence: missense variant. On other transcripts: non-coding transcript variant (5).
Genome position (GRCh38, 1-based): chr7:142,752,435, C>A. VCF-style: chr7-142752435-C-A. GRCh37 (hg19) VCF-style: chr7-142460286-C-A.
Other names: short protein forms D153E.
Identifiers: ClinVar variation 1741755 (VCV001741755.2), dbSNP rs1321694161, ClinGen allele CA369609379.

ClinVar aggregate classification (germline): Uncertain significance (1 of 4 stars; one submission).

Conditions:
Hereditary pancreatitis (PCTT). Also called: Hereditary chronic pancreatitis; PRSS1-Related Hereditary Pancreatitis. Identifiers: Orphanet 676, MedGen C0238339, MONDO:0008185, OMIM 167800.

Submission:

Ambry Genetics
Classification: Uncertain significance for Hereditary pancreatitis. Last evaluated: 2021-08-11. Review status: criteria provided, single submitter. Criteria: Ambry Variant Classification Scheme 2023. Collection method: clinical testing. Allele origin: germline.
Comment: The p.D153E variant (also known as c.459C>A), located in coding exon 4 of the PRSS1 gene, results from a C to A substitution at nucleotide position 459. The aspartic acid at codon 153 is replaced by glutamic acid, an amino acid with highly similar properties. This amino acid position is conserved. In addition, this alteration is predicted to be tolerated by in silico analysis. Since supporting evidence is limited at this time, the clinical significance of this alteration remains unclear.